The following is an entry in ClinVar:

ClinVar aggregate classification (germline): Uncertain significance (1 of 4 stars; one submission).

Conditions:
CHARGE syndrome (CHARGE). Also called: Hittner Hirsch Kreh syndrome; CHARGE ASSOCIATION--COLOBOMA, HEART ANOMALY, CHOANAL ATRESIA, RETARDATION, GENITAL AND EAR ANOMALIES; Coloboma, heart anomaly, choanal atresia, retardation, genital and ear anomalies; CHARGE association; Hall-Hittner syndrome. Identifiers: Orphanet 138, MedGen C0265354, MONDO:0008965.

Submission:

Labcorp Genetics (formerly Invitae), Labcorp
Classification: Uncertain significance for CHARGE syndrome. Last evaluated: 2025-11-03. Review status: criteria provided, single submitter. Criteria: Invitae Variant Classification Sherloc (09022015). Collection method: clinical testing. Allele origin: germline.
Comment: This sequence change replaces alanine, which is neutral and non-polar, with proline, which is neutral and non-polar, at codon 2132 of the CHD7 protein (p.Ala2132Pro). This variant is not present in population databases (gnomAD no frequency). This variant has not been reported in the literature in individuals affected with CHD7-related conditions. Invitae Evidence Modeling of protein sequence and biophysical properties (such as structural, functional, and spatial information, amino acid conservation, physicochemical variation, residue mobility, and thermodynamic stability) indicates that this missense variant is not expected to disrupt CHD7 protein function with a negative predictive value of 95%. In summary, the available evidence is currently insufficient to determine the role of this variant in disease. Therefore, it has been classified as a Variant of Uncertain Significance.

NM_017780.4(CHD7):c.6394G>C (p.Ala2132Pro)

Gene: CHD7 (chromodomain helicase DNA binding protein 7; plus strand). Cytogenetic location: 8q12.2.
Variant type: single nucleotide variant.
Coding change: c.6394G>C on transcript NM_017780.4 (MANE Select); coding-DNA position 6394, G replaced by C.
Protein change: p.Ala2132Pro; replaces alanine 2132 with proline.
Molecular consequence: missense variant. On other transcripts: intron variant (1).
Genome position (GRCh38, 1-based): chr8:60,853,119, G>C. VCF-style: chr8-60853119-G-C. GRCh37 (hg19) VCF-style: chr8-61765678-G-C.
Other names: c.1717-9110G>C (NM_001316690.1); short protein forms A2132P.
Identifiers: ClinVar variation 4751673 (VCV004751673.1).